The following is an entry in ClinVar:

NM_003764.4(STX11):c.17C>T (p.Ala6Val)

Gene: STX11 (syntaxin 11; plus strand). Cytogenetic location: 6q24.2.
Variant type: single nucleotide variant.
Coding change: c.17C>T on transcript NM_003764.4 (MANE Select); coding-DNA position 17, C replaced by T.
Protein change: p.Ala6Val; replaces alanine 6 with valine.
Molecular consequence: missense variant.
Genome position (GRCh38, 1-based): chr6:144,186,644, C>T. VCF-style: chr6-144186644-C-T. GRCh37 (hg19) VCF-style: chr6-144507781-C-T.
Other names: short protein forms A6V.
Identifiers: ClinVar variation 1021165 (VCV001021165.10), dbSNP rs1802044231, ClinGen allele CA365948357.
Genomic context (GRCh38, chr6:144,186,644, plus strand): 5'-CTCAATAGAGAAATTTAACTTCATTATCTCTACTTGCAGGCAAAATGAAAGACCGGCTAG[C>T]AGAACTTCTGGACTTGTCCAAGCAATATGACCAGCAGTTCCCAGACGGGGACGATGAGTT-3'
Protein context (NP_003755.2, residues 1-16): MKDRL[Ala6Val]ELLDLSKQYD

ClinVar aggregate classification (germline): Uncertain significance (1 of 4 stars; one submission).

Conditions:
Familial hemophagocytic lymphohistiocytosis 4 (FHL4). Also called: STX11-Related Familial Hemophagocytic Lymphohistiocytosis (STX11-fHLH). Identifiers: Orphanet 540, MedGen C1863728, MONDO:0011336, OMIM 603552.

Allele frequency attached by ClinVar (database versions not stated): gnomAD exomes below 0.00001.
gnomAD v4.1: 1 of 1,614,122 alleles (0.000062%); highest among the groups gnomAD compares: Non-Finnish European, 0.000085%; no homozygotes.

Submission:

Labcorp Genetics (formerly Invitae), Labcorp
Classification: Uncertain significance for Familial hemophagocytic lymphohistiocytosis 4. Last evaluated: 2022-08-16. Review status: criteria provided, single submitter. Criteria: Invitae Variant Classification Sherloc (09022015). Collection method: clinical testing. Allele origin: germline.
Comment: ClinVar contains an entry for this variant (Variation ID: 1021165). This sequence change replaces alanine, which is neutral and non-polar, with valine, which is neutral and non-polar, at codon 6 of the STX11 protein (p.Ala6Val). This variant is not present in population databases (gnomAD no frequency). This variant has not been reported in the literature in individuals affected with STX11-related conditions. Algorithms developed to predict the effect of missense changes on protein structure and function output the following: SIFT: "Tolerated"; PolyPhen-2: "Benign"; Align-GVGD: "Class C0". The valine amino acid residue is found in multiple mammalian species, which suggests that this missense change does not adversely affect protein function. In summary, the available evidence is currently insufficient to determine the role of this variant in disease. Therefore, it has been classified as a Variant of Uncertain Significance.